The following is an entry in ClinVar:

NM_002055.5(GFAP):c.737C>T (p.Ala246Val)

Gene: GFAP (glial fibrillary acidic protein; minus strand). Cytogenetic location: 17q21.31.
Variant type: single nucleotide variant.
Coding change: c.737C>T on transcript NM_002055.5 (MANE Select); coding-DNA position 737, C replaced by T.
Protein change: p.Ala246Val; replaces alanine 246 with valine.
Molecular consequence: missense variant.
Genome position (GRCh38, 1-based): chr17:44,913,312, G>A on the plus strand (C>T on the coding strand, the complement: GFAP is on the minus strand). VCF-style: chr17-44913312-G-A. GRCh37 (hg19) VCF-style: chr17-42990680-G-A.
Other names: c.737C>T, p.Ala246Val (NM_001131019.3, NM_001242376.3, NM_001363846.2); short protein forms A246V.
Identifiers: ClinVar variation 1303423 (VCV001303423.4), dbSNP rs374224631, ClinGen allele CA8608874.

ClinVar aggregate classification (germline): Uncertain significance. Review status: criteria provided, multiple submitters, no conflicts (2 of 4 stars). 2 submissions from 2 submitters: Uncertain significance (2). Last evaluated 2021-07-13.

Conditions:
Inborn genetic diseases. Identifiers: MedGen C0950123, MeSH D030342.

Allele frequency attached by ClinVar (database versions not stated): gnomAD exomes 0.00003.
gnomAD v4.1: 47 of 1,614,046 alleles (0.0029%); highest among the groups gnomAD compares: Admixed American, 0.005%; no homozygotes.

Submissions (2):

Ambry Genetics
Classification: Uncertain significance for Inborn genetic diseases. Last evaluated: 2021-07-13. Review status: criteria provided, single submitter. Criteria: Ambry Variant Classification Scheme 2023. Collection method: clinical testing. Allele origin: germline.

GeneDx
Classification: Uncertain significance. Last evaluated: 2019-08-30. Review status: criteria provided, single submitter. Criteria: GeneDx Variant Classification Process June 2021. Collection method: clinical testing. Allele origin: germline. Affected: yes.
Comment: In silico analysis, which includes protein predictors and evolutionary conservation, supports a deleterious effect; Has not been previously published as pathogenic or benign to our knowledge